The following is an entry in ClinVar:

NM_032242.4(PLXNA1):c.208C>A (p.Arg70Ser)

Gene: PLXNA1 (plexin A1; plus strand). Cytogenetic location: 3q21.3.
Variant type: single nucleotide variant.
Coding change: c.208C>A on transcript NM_032242.4 (MANE Select); coding-DNA position 208, C replaced by A.
Protein change: p.Arg70Ser; replaces arginine 70 with serine.
Molecular consequence: missense variant.
Genome position (GRCh38, 1-based): chr3:126,988,801, C>A. VCF-style: chr3-126988801-C-A. GRCh37 (hg19) VCF-style: chr3-126707644-C-A.
Other names: short protein forms R70S.
Identifiers: ClinVar variation 3349190 (VCV003349190.1).

ClinVar aggregate classification (germline): Uncertain significance (0 of 4 stars; one submission).

Conditions:
PLXNA1-related disorder. Also called: PLXNA1-related condition.

Submission:

PreventionGenetics, part of Exact Sciences
Classification: Uncertain significance for PLXNA1-related condition. Last evaluated: 2023-12-29. Review status: no assertion criteria provided. Collection method: clinical testing. Allele origin: germline.
Comment: The PLXNA1 c.208C>A variant is predicted to result in the amino acid substitution p.Arg70Ser. To our knowledge, this variant has not been reported in the literature or in a large population database, indicating this variant is rare. At this time, the clinical significance of this variant is uncertain due to the absence of conclusive functional and genetic evidence.